The following is an entry in ClinVar:

NM_006206.6(PDGFRA):c.1703A>G (p.Asp568Gly)

Gene: PDGFRA (platelet derived growth factor receptor alpha; plus strand). Cytogenetic location: 4q12.
Variant type: single nucleotide variant.
Coding change: c.1703A>G on transcript NM_006206.6 (MANE Select); coding-DNA position 1703, A replaced by G.
Protein change: p.Asp568Gly; replaces aspartic acid 568 with glycine.
Molecular consequence: missense variant.
Genome position (GRCh38, 1-based): chr4:54,274,890, A>G. VCF-style: chr4-54274890-A-G. GRCh37 (hg19) VCF-style: chr4-55141057-A-G.
Other names: c.1703A>G, p.Asp568Gly (NM_001347827.2, NM_001347829.2); c.1778A>G, p.Asp593Gly (NM_001347828.2); c.1742A>G, p.Asp581Gly (NM_001347830.2); short protein forms D568G, D593G, D581G.
Identifiers: ClinVar variation 2816918 (VCV002816918.3), dbSNP rs2475497353, ClinGen allele CA356893122.

ClinVar aggregate classification (germline): Uncertain significance (1 of 4 stars; one submission).

Conditions:
Gastrointestinal stromal tumor. Also called: Gastrointestinal stromal tumor, somatic; Gastrointestinal stroma tumor. Identifiers: Orphanet 44890, MedGen C0238198, MeSH D046152, MONDO:0011719, OMIM 606764, HP:0100723.

Submission:

Labcorp Genetics (formerly Invitae), Labcorp
Classification: Uncertain significance for Gastrointestinal stromal tumor. Last evaluated: 2026-01-17. Review status: criteria provided, single submitter. Criteria: Invitae Variant Classification Sherloc (09022015). Collection method: clinical testing. Allele origin: germline.
Comment: This sequence change replaces aspartic acid, which is acidic and polar, with glycine, which is neutral and non-polar, at codon 568 of the PDGFRA protein (p.Asp568Gly). This variant is not present in population databases (gnomAD no frequency). This variant has not been reported in the literature in individuals affected with PDGFRA-related conditions. ClinVar contains an entry for this variant (Variation ID: 2816918). Invitae Evidence Modeling of protein sequence and biophysical properties (such as structural, functional, and spatial information, amino acid conservation, physicochemical variation, residue mobility, and thermodynamic stability) has been performed for this missense variant. However, the output from this modeling did not meet the statistical confidence thresholds required to predict the impact of this variant on PDGFRA protein function. In summary, the available evidence is currently insufficient to determine the role of this variant in disease. Therefore, it has been classified as a Variant of Uncertain Significance.